The following is an entry in ClinVar:

NM_006225.4(PLCD1):c.1692C>T (p.Pro564=)

Gene: PLCD1 (phospholipase C delta 1; minus strand). Cytogenetic location: 3p22.2.
Variant type: single nucleotide variant.
Coding change: c.1692C>T on transcript NM_006225.4 (MANE Select); coding-DNA position 1692, C replaced by T.
Protein change: p.Pro564=; no amino-acid change (proline 564 retained).
Molecular consequence: synonymous variant. On other transcripts: non-coding transcript variant (1).
Genome position (GRCh38, 1-based): chr3:38,009,073, G>A on the plus strand (C>T on the coding strand, the complement: PLCD1 is on the minus strand). VCF-style: chr3-38009073-G-A. GRCh37 (hg19) VCF-style: chr3-38050564-G-A.
Other names: c.1755C>T, p.Pro585= (NM_001130964.2).
Identifiers: ClinVar variation 385492 (VCV000385492.3), dbSNP rs144157044, ClinGen allele CA2312957.

ClinVar aggregate classification (germline): Likely benign. Review status: criteria provided, single submitter (1 of 4 stars). 2 submissions from 2 submitters: Likely benign (1). 1 of the submissions does not count toward it. Last evaluated 2016-04-05.

Conditions:
PLCD1-related disorder. Also called: PLCD1-related condition.

Allele frequency attached by ClinVar (database versions not stated): gnomAD exomes 0.00031 and 0.00041; ExAC 0.00036; ESP Exome Variant Server 0.00038; gnomAD 0.00038 and 0.00041; 1000 Genomes Project 0.00040; 1000 Genomes Project 30x 0.00047; TOPMed 0.00057.
gnomAD v4.1: 528 of 1,613,554 alleles (0.033%); highest among the groups gnomAD compares: Admixed American, 0.17%; no homozygotes.

Submissions (2):

GeneDx
Classification: Likely benign. Last evaluated: 2016-04-05. Review status: criteria provided, single submitter. Criteria: GeneDx Variant Classification (06012015). Collection method: clinical testing. Allele origin: germline. Affected: yes.
Comment: This variant is considered likely benign or benign based on one or more of the following criteria: it is a conservative change, it occurs at a poorly conserved position in the protein, it is predicted to be benign by multiple in silico algorithms, and/or has population frequency not consistent with disease.

PreventionGenetics, part of Exact Sciences
Classification: Likely benign for PLCD1-related condition. Last evaluated: 2023-04-05. Review status: no assertion criteria provided. Collection method: clinical testing. Allele origin: germline. Not counted in ClinVar's aggregate classification.
Comment: This variant is classified as likely benign based on ACMG/AMP sequence variant interpretation guidelines (Richards et al. 2015 PMID: 25741868, with internal and published modifications).